The following is an entry in ClinVar:

ClinVar aggregate classification (germline): Benign/Likely benign. Review status: criteria provided, multiple submitters, no conflicts (2 of 4 stars). 20 submissions from 20 submitters: Benign (9); Likely benign (9). 2 of the submissions do not count toward it. Last evaluated 2026-09-01.

Conditions:
Connective tissue disorder. Also called: Connective tissue disease. Identifiers: MedGen C0009782, MONDO:0003900.
Cardiovascular phenotype. Identifiers: MedGen CN230736.
Familial thoracic aortic aneurysm and aortic dissection (TAAD). Also called: Thoracic aortic aneurysms and dissections. Identifiers: Orphanet 91387, MedGen C4707243, MONDO:0019625.
Aortic aneurysm, familial thoracic 4 (AAT4). Also called: AORTIC ANEURYSM/AORTIC DISSECTION AND PATENT DUCTUS ARTERIOSUS. Identifiers: MedGen C1851504, MONDO:0007568, OMIM 132900.

Allele frequency attached by ClinVar (database versions not stated): 1000 Genomes Project 0.00100; 1000 Genomes Project 30x 0.00109; ESP Exome Variant Server 0.00231; gnomAD 0.00240 and 0.00243; TOPMed 0.00265; ExAC 0.00269; gnomAD exomes 0.00281 and 0.00374.
gnomAD v4.1: 5,787 of 1,612,150 alleles (0.36%); highest among the groups gnomAD compares: Middle Eastern, 0.71%; 25 homozygotes.

Submissions (20):

CeGaT Center for Human Genetics Tuebingen
Classification: Likely benign. Last evaluated: 2026-09-01. Review status: criteria provided, single submitter. Criteria: CeGaT Center For Human Genetics Tuebingen Variant Classification Criteria Version 2. Collection method: clinical testing. Allele origin: germline. Affected: yes. Observed: 52 variant alleles.
Comment: MYH11: BP4, BP7, BS2

Labcorp Genetics (formerly Invitae), Labcorp
Classification: Benign for Aortic aneurysm, familial thoracic 4. Last evaluated: 2026-02-03. Review status: criteria provided, single submitter. Criteria: Invitae Variant Classification Sherloc (09022015). Collection method: clinical testing. Allele origin: germline.

ARUP Laboratories, Molecular Genetics and Genomics, ARUP Laboratories
Classification: Benign. Last evaluated: 2025-05-02. Review status: criteria provided, single submitter. Criteria: ARUP Molecular Germline Variant Investigation Process 2024. Collection method: clinical testing. Allele origin: germline.

Molecular Diagnostic Laboratory for Inherited Cardiovascular Disease, Montreal Heart Institute
Classification: Benign. Last evaluated: 2025-04-09. Review status: criteria provided, single submitter. Criteria: ACMG Guidelines, 2015. Collection method: clinical testing. Allele origin: germline. Affected: no.

Mayo Clinic Laboratories, Mayo Clinic
Classification: Benign. Last evaluated: 2025-01-13. Review status: criteria provided, single submitter. Criteria: ACMG Guidelines, 2015. Collection method: clinical testing. Allele origin: germline. Observed: 18 variant alleles.
Comment: BS1, BS2, BP4, BP7

Blueprint Genetics
Classification: Likely benign. Last evaluated: 2024-11-18. Review status: criteria provided, single submitter. Criteria: ACMG Guidelines, 2015. Collection method: clinical testing. Allele origin: germline.

All of Us Research Program, National Institutes of Health
Classification: Benign for Familial thoracic aortic aneurysm and aortic dissection. Last evaluated: 2024-02-05. Review status: criteria provided, single submitter. Criteria: ACMG Guidelines, 2015. Collection method: clinical testing. Allele origin: germline. Inheritance: Autosomal dominant inheritance. Observed: 687 variant alleles, 686 heterozygotes, 1 homozygote.
Comment: This study involves interpretation of variants in research participants for the purpose of population health screening. Participant phenotype was not available at the time of variant classification. Additional details can be found in publication PMID: 35346344, PMCID: PMC8962531

Color Diagnostics, LLC DBA Color Health
Classification: Benign for Familial thoracic aortic aneurysm and aortic dissection. Last evaluated: 2018-03-07. Review status: criteria provided, single submitter. Criteria: ACMG Guidelines, 2015. Collection method: clinical testing. Allele origin: germline.

Eurofins Ntd Llc (ga)
Classification: Benign. Last evaluated: 2018-01-22. Review status: criteria provided, single submitter. Criteria: EGL Classification Definitions 2015. Collection method: clinical testing. Allele origin: germline. Observed: 1 variant allele, 1 heterozygote.

Illumina Laboratory Services, Illumina
Classification: Likely benign for Aortic aneurysm, familial thoracic 4. Last evaluated: 2018-01-13. Review status: criteria provided, single submitter. Criteria: ICSL Variant Classification Criteria 13 December 2019. Collection method: clinical testing. Allele origin: germline.
Comment: This variant was observed in the ICSL laboratory as part of a predisposition screen in an ostensibly healthy population. It had not been previously curated by ICSL or reported in the Human Gene Mutation Database (HGMD: prior to June 1st, 2018), and was therefore a candidate for classification through an automated scoring system. Utilizing variant allele frequency, disease prevalence and penetrance estimates, and inheritance mode, an automated score was calculated to assess if this variant is too frequent to cause the disease. Based on the score and internal cut-off values, a variant classified as likely benign is not then subjected to further curation. The score for this variant resulted in a classification of likely benign for this disease.

CHEO Genetics Diagnostic Laboratory, Children's Hospital of Eastern Ontario
Classification: Benign for Familial thoracic aortic aneurysm and aortic dissection. Last evaluated: 2017-11-29. Review status: criteria provided, single submitter. Criteria: ACMG Guidelines, 2015. Collection method: clinical testing. Allele origin: germline.

Clinical Genetics DNA and cytogenetics Diagnostics Lab, Erasmus MC, Erasmus Medical Center
Classification: Likely benign for Aortic aneurysm, familial thoracic 4. Last evaluated: 2017-06-28. Review status: criteria provided, single submitter. Criteria: ACGS Guidelines, 2013. Collection method: clinical testing. Allele origin: germline. Affected: yes. Study: VKGL Data-share Consensus.

Genome Diagnostics Laboratory, University Medical Center Utrecht
Classification: Likely benign for Aortic aneurysm, familial thoracic 4. Last evaluated: 2016-12-08. Review status: criteria provided, single submitter. Criteria: ACGS Guidelines, 2013. Collection method: clinical testing. Allele origin: germline. Affected: yes. Study: VKGL Data-share Consensus.

Center for Human Genetics, Inc
Classification: Likely benign for Connective tissue disorder. Last evaluated: 2016-11-01. Review status: criteria provided, single submitter. Criteria: ACMG Guidelines, 2015. Collection method: clinical testing. Allele origin: germline. Affected: yes.

Ambry Genetics
Classification: Likely benign for Cardiovascular phenotype. Last evaluated: 2015-03-26. Review status: criteria provided, single submitter. Criteria: Ambry Autosomal Dominant and X-Linked criteria (10/2015). Collection method: clinical testing. Allele origin: germline. Observed: 1 variant allele.

GeneDx
Classification: Benign. Last evaluated: 2013-03-19. Review status: criteria provided, single submitter. Criteria: GeneDx Variant Classification (06012015). Collection method: clinical testing. Allele origin: germline. Affected: yes.
Comment: This variant is considered likely benign or benign based on one or more of the following criteria: it is a conservative change, it occurs at a poorly conserved position in the protein, it is predicted to be benign by multiple in silico algorithms, and/or has population frequency not consistent with disease.

Breakthrough Genomics
Classification: Likely benign. Review status: criteria provided, single submitter. Criteria: ACMG Guidelines, 2015. Collection method: not provided. Allele origin: germline. Inheritance: Autosomal recessive inheritance. Affected: yes.

PreventionGenetics, part of Exact Sciences
Classification: Likely benign. Review status: criteria provided, single submitter. Criteria: ACMG Guidelines, 2015. Collection method: clinical testing. Allele origin: germline.

Genome Diagnostics Laboratory, Amsterdam University Medical Center
Classification: Likely benign for Aortic aneurysm, familial thoracic 4. Last evaluated: 2014-11-19. Review status: no assertion criteria provided. Criteria: ACGS Guidelines, 2013. Collection method: clinical testing. Allele origin: germline. Affected: yes. Study: VKGL Data-share Consensus. Not counted in ClinVar's aggregate classification.

Joint Genome Diagnostic Labs from Nijmegen and Maastricht, Radboudumc and MUMC+
Classification: Benign. Review status: no assertion criteria provided. Collection method: clinical testing. Allele origin: germline. Affected: yes. Study: VKGL Data-share Consensus. Not counted in ClinVar's aggregate classification.

NM_002474.3(MYH11):c.3828G>A (p.Ala1276=)

Gene: MYH11 (myosin heavy chain 11; minus strand). Cytogenetic location: 16p13.11.
Variant type: single nucleotide variant.
Coding change: c.3828G>A on transcript NM_002474.3 (MANE Select); coding-DNA position 3828, G replaced by A.
Protein change: p.Ala1276=; no amino-acid change (alanine 1276 retained).
Molecular consequence: synonymous variant.
Genome position (GRCh38, 1-based): chr16:15,726,878, C>T on the plus strand (G>A on the coding strand, the complement: MYH11 is on the minus strand). VCF-style: chr16-15726878-C-T. GRCh37 (hg19) VCF-style: chr16-15820735-C-T.
Other names: p.A1276A:GCG>GCA; p.Ala1283=; c.3849G>A, p.Ala1283= (NM_001040113.2, NM_001040114.2); c.3828G>A, p.Ala1276= (NM_022844.3).
Identifiers: ClinVar variation 138335 (VCV000138335.84), dbSNP rs113154524, ClinGen allele CA292287.